The following is an entry in ClinVar:

NM_000052.7(ATP7A):c.1543+9C>G

Gene: ATP7A (ATPase copper transporting alpha; plus strand). Cytogenetic location: Xq21.1.
Variant type: single nucleotide variant.
Coding change: c.1543+9C>G on transcript NM_000052.7 (MANE Select); 9 bases into the intron after coding-DNA position 1543, C replaced by G.
Molecular consequence: intron variant.
Genome position (GRCh38, 1-based): chrX:77,998,693, C>G. VCF-style: chrX-77998693-C-G. GRCh37 (hg19) VCF-style: chrX-77254190-C-G.
Other names: c.1543+9C>G (NM_001282224.2, NM_000052.6).
Identifiers: ClinVar variation 681450 (VCV000681450.12), dbSNP rs367977602, ClinGen allele CA10459058.

ClinVar aggregate classification (germline): Conflicting classifications of pathogenicity. Review status: criteria provided, conflicting classifications (1 of 4 stars). 4 submissions from 4 submitters: Uncertain significance (1); Likely benign (2). 1 of the submissions does not count toward it. Last evaluated 2025-08-25.

Conditions:
Ehlers-Danlos syndrome (EDS). Identifiers: Orphanet 98249, MedGen C0013720, MONDO:0020066.
Cutis laxa, X-linked (OHS). Also called: EDS IX; Occipital horn syndrome. Identifiers: Orphanet 198, MedGen C0268353, MONDO:0010572, OMIM 304150.
X-linked distal spinal muscular atrophy type 3. Also called: ATP7A-Related Distal Motor Neuropathy; NEURONOPATHY, DISTAL HEREDITARY MOTOR, X-LINKED; NEUROPATHY, DISTAL HEREDITARY MOTOR, X-LINKED; SPINAL MUSCULAR ATROPHY, DISTAL, X-LINKED RECESSIVE. Identifiers: Orphanet 139557, MedGen C1845359, MONDO:0010338, OMIM 300489.
Menkes kinky-hair syndrome (MNK). Also called: Classic Menkes Disease; Menkes Disease; Copper transport disease. Identifiers: Orphanet 565, MedGen C0022716, MONDO:0010651, OMIM 309400.

Allele frequency attached by ClinVar (database versions not stated): ExAC 0.00001; gnomAD exomes 0.00001; gnomAD 0.00002 and 0.00003; TOPMed 0.00003; ESP Exome Variant Server 0.00009.
gnomAD v4.1: 22 of 1,203,944 alleles (0.0018%); highest among the groups gnomAD compares: Non-Finnish European, 0.0025%; no homozygotes.

Submissions (4):

Labcorp Genetics (formerly Invitae), Labcorp
Classification: Likely benign for X-linked distal spinal muscular atrophy type 3; Cutis laxa, X-linked; Menkes kinky-hair syndrome. Last evaluated: 2025-08-25. Review status: criteria provided, single submitter. Criteria: Invitae Variant Classification Sherloc (09022015). Collection method: clinical testing. Allele origin: germline.

Genome Diagnostics Laboratory, The Hospital for Sick Children
Classification: Uncertain significance for Ehlers-Danlos syndrome. Last evaluated: 2019-12-01. Review status: criteria provided, single submitter. Criteria: ACMG Guidelines, 2015. Collection method: clinical testing. Allele origin: germline.

GeneDx
Classification: Likely benign. Last evaluated: 2018-04-09. Review status: criteria provided, single submitter. Criteria: GeneDx Variant Classification (06012015). Collection method: clinical testing. Allele origin: germline. Affected: yes.
Comment: This variant is considered likely benign or benign based on one or more of the following criteria: it is a conservative change, it occurs at a poorly conserved position in the protein, it is predicted to be benign by multiple in silico algorithms, and/or has population frequency not consistent with disease.

Natera, Inc.
Classification: Likely benign for Menkes kinky hair syndrome. Last evaluated: 2021-04-21. Review status: no assertion criteria provided. Collection method: clinical testing. Allele origin: germline. Not counted in ClinVar's aggregate classification.